The following is an entry in ClinVar:

NM_001122630.2(CDKN1C):c.529C>T (p.Pro177Ser)

Gene: CDKN1C (cyclin dependent kinase inhibitor 1C; minus strand). Cytogenetic location: 11p15.4.
Variant type: single nucleotide variant.
Coding change: c.529C>T on transcript NM_001122630.2 (MANE Select); coding-DNA position 529, C replaced by T.
Protein change: p.Pro177Ser; replaces proline 177 with serine.
Molecular consequence: missense variant. On other transcripts: intron variant (1).
Genome position (GRCh38, 1-based): chr11:2,884,928, G>A on the plus strand (C>T on the coding strand, the complement: CDKN1C is on the minus strand). VCF-style: chr11-2884928-G-A. GRCh37 (hg19) VCF-style: chr11-2906158-G-A.
Other names: c.562C>T, p.Pro188Ser (NM_000076.2, NM_001362474.2); c.529C>T, p.Pro177Ser (NM_001122631.2); c.255+274C>T (NM_001362475.2); short protein forms P177S, P188S.
Identifiers: ClinVar variation 1514805 (VCV001514805.6), dbSNP rs1474613343, ClinGen allele CA379146461.

ClinVar aggregate classification (germline): Uncertain significance (1 of 4 stars; one submission).

Conditions:
Beckwith-Wiedemann syndrome (BWS). Also called: EMG SYNDROME; Exomphalos macroglossia gigantism syndrome. Identifiers: Orphanet 116, MedGen C0004903, MONDO:0007534, OMIM 130650.

Submission:

Labcorp Genetics (formerly Invitae), Labcorp
Classification: Uncertain significance for Beckwith-Wiedemann syndrome. Last evaluated: 2021-08-23. Review status: criteria provided, single submitter. Criteria: Invitae Variant Classification Sherloc (09022015). Collection method: clinical testing. Allele origin: germline.
Comment: In summary, the available evidence is currently insufficient to determine the role of this variant in disease. Therefore, it has been classified as a Variant of Uncertain Significance. Algorithms developed to predict the effect of missense changes on protein structure and function are either unavailable or do not agree on the potential impact of this missense change (SIFT: "Tolerated"; PolyPhen-2: "Not Available"; Align-GVGD: "Class C0"). This variant has not been reported in the literature in individuals affected with CDKN1C-related conditions. The frequency data for this variant in the population databases is considered unreliable, as metrics indicate insufficient coverage at this position in the ExAC database. This sequence change replaces proline with serine at codon 188 of the CDKN1C protein (p.Pro188Ser). The proline residue is weakly conserved and there is a moderate physicochemical difference between proline and serine.